The following is an entry in ClinVar:

ClinVar aggregate classification (germline): Benign/Likely benign. Review status: criteria provided, multiple submitters, no conflicts (2 of 4 stars). 3 submissions from 3 submitters: Benign (1); Likely benign (2). Last evaluated 2026-01-24.

Conditions:
Propionic acidemia (PROP). Also called: GLYCINEMIA, KETOTIC; HYPERGLYCINEMIA WITH KETOACIDOSIS AND LEUKOPENIA; KETOTIC HYPERGLYCINEMIA. Identifiers: Orphanet 35, MedGen C0268579, MONDO:0011628, OMIM 606054, HP:0003571.

Allele frequency attached by ClinVar (database versions not stated): gnomAD 0.00010 and 0.00011; 1000 Genomes Project 30x 0.00031; TOPMed 0.00034; gnomAD exomes 0.00037 and 0.00077; 1000 Genomes Project 0.00040; ExAC 0.00072.
gnomAD v4.1: 238 of 1,596,374 alleles (0.015%); highest among the groups gnomAD compares: Admixed American, 0.39%; 1 homozygote.

Submissions (3):

Labcorp Genetics (formerly Invitae), Labcorp
Classification: Benign for Propionic acidemia. Last evaluated: 2026-01-24. Review status: criteria provided, single submitter. Criteria: Invitae Variant Classification Sherloc (09022015). Collection method: clinical testing. Allele origin: germline.

Blueprint Genetics
Classification: Likely benign. Last evaluated: 2022-07-27. Review status: criteria provided, single submitter. Criteria: ACMG Guidelines, 2015. Collection method: clinical testing. Allele origin: germline.

GeneDx
Classification: Likely benign. Last evaluated: 2018-05-11. Review status: criteria provided, single submitter. Criteria: GeneDx Variant Classification (06012015). Collection method: clinical testing. Allele origin: germline. Affected: yes.
Comment: This variant is considered likely benign or benign based on one or more of the following criteria: it is a conservative change, it occurs at a poorly conserved position in the protein, it is predicted to be benign by multiple in silico algorithms, and/or has population frequency not consistent with disease.

NM_000532.5(PCCB):c.1299+13T>C

Gene: PCCB (propionyl-CoA carboxylase subunit beta; plus strand). Cytogenetic location: 3q22.3.
Variant type: single nucleotide variant.
Coding change: c.1299+13T>C on transcript NM_000532.5 (MANE Select); 13 bases into the intron after coding-DNA position 1299, T replaced by C.
Molecular consequence: intron variant.
Genome position (GRCh38, 1-based): chr3:136,327,268, T>C. VCF-style: chr3-136327268-T-C. GRCh37 (hg19) VCF-style: chr3-136046110-T-C.
Other names: c.1359+13T>C (NM_001178014.2).
Identifiers: ClinVar variation 668414 (VCV000668414.10), dbSNP rs185352554, ClinGen allele CA2632124.